The following is an entry in ClinVar:

ClinVar aggregate classification (germline): Likely pathogenic (1 of 4 stars; one submission).

Submission:

GeneDx
Classification: Likely pathogenic. Last evaluated: 2026-04-02. Review status: criteria provided, single submitter. Criteria: GeneDx Variant Classification Process June 2021. Collection method: clinical testing. Allele origin: germline.
Comment: Frameshift variant predicted to result in protein truncation or nonsense mediated decay in a gene for which loss of function is a known mechanism of disease; Located in the A-band, a region of TTN for which truncating variants are significantly associated with autosomal dominant cardiomyopathy and also with autosomal recessive skeletal myopathies (PMID: 22335739, 32778822); Not observed at significant frequency in large population cohorts (gnomAD); Has not been previously published as pathogenic or benign to our knowledge; This variant is associated with the following publications: (PMID: 22335739, 32778822)

NM_001267550.2(TTN):c.56831del (p.Leu18944fs)

Genes: TTN (titin; minus strand), TTN-AS1 (TTN antisense RNA 1; plus strand). Cytogenetic location: 2q31.2.
Variant type: Deletion.
Coding change: c.56831del on transcript NM_001267550.2 (MANE Select); coding-DNA position 56831, one base deleted (T; older notation c.56831delT).
Protein change: p.Leu18944fs; shifts the reading frame from leucine 18944.
Molecular consequence: frameshift variant.
Genome position (GRCh38, 1-based): chr2:178,598,879, A deleted on the plus strand (T on the coding strand, the reverse complement: TTN is on the minus strand); the first of 3 consecutive A bases (chr2:178,598,879-178,598,881); deleting any one gives the same sequence. VCF-style (leftmost placement, unchanged base first): chr2-178598878-CA-C. GRCh37 (hg19) VCF-style: chr2-179463605-CA-C.
Other names: c.51908del, p.Leu17303fs (NM_001256850.1); c.56829delT, p.Leu18944Trpfs (NM_001267550.1); c.29636del, p.Leu9879fs (NM_003319.4); c.49127del, p.Leu16376fs (NM_133378.4); c.30011del, p.Leu10004fs (NM_133432.3); c.30212del, p.Leu10071fs (NM_133437.4); short protein forms L10004fs, L10071fs, L16376fs, L17303fs, L18944fs, L9879fs.
Identifiers: ClinVar variation 3362048 (VCV003362048.2).
Genomic context (GRCh38, chr2:178,598,878, plus strand): 5'-ATATACCCGGAATTGATAGTCGGAACCTTCAATAAGACCAGTCACTTTATAAGAAACACC[CA>C]AAGTCATGGCTTTGATAGGATCTCGGTTAACTCTCTTCCATCTCTTTGAAGTGGTGTCTT-3'